The following is an entry in ClinVar:

NM_006031.6(PCNT):c.9852C>T (p.Ser3284=)

Gene: PCNT (pericentrin; plus strand). Cytogenetic location: 21q22.3.
Variant type: single nucleotide variant.
Coding change: c.9852C>T on transcript NM_006031.6 (MANE Select); coding-DNA position 9852, C replaced by T.
Protein change: p.Ser3284=; no amino-acid change (serine 3284 retained).
Molecular consequence: synonymous variant.
Genome position (GRCh38, 1-based): chr21:46,444,706, C>T. VCF-style: chr21-46444706-C-T. GRCh37 (hg19) VCF-style: chr21-47864619-C-T.
Other names: c.9261C>T, p.Ser3087= (NM_001315529.2).
Identifiers: ClinVar variation 436239 (VCV000436239.15), dbSNP rs142800774, ClinGen allele CA10081534.
Genomic context (GRCh38, chr21:46,444,706, plus strand): 5'-TCTTTTTTTTTTTTTTTTTCTTCTCTTGGTGTGGTAATTTGTTTGAAGAGCCACTCCATC[C>T]CCAAATTCAAGATTAGAAAGATCCCTGACTGCTTCTCAAGATCCAGAACATTCCTTGACA-3'
Protein context (NP_006022.3, residues 3274-3294): SPHSGGRATP[Ser3284=]PNSRLERSLT

ClinVar aggregate classification (germline): Conflicting classifications of pathogenicity. Review status: criteria provided, conflicting classifications (1 of 4 stars). 4 submissions from 4 submitters: Uncertain significance (1); Likely benign (2). 1 of the submissions does not count toward it. Last evaluated 2024-12-16.

Conditions:
PCNT-related disorder. Also called: PCNT-related condition.
Microcephalic osteodysplastic primordial dwarfism type II (MOPD2). Also called: Microcephalic osteodysplastic primordial dwarfism with tooth abnormalities; MOPD II; OSTEODYSPLASTIC PRIMORDIAL DWARFISM, TYPE II. Identifiers: Orphanet 2637, MedGen C0432246, MONDO:0008872, OMIM 210720.

Allele frequency attached by ClinVar (database versions not stated): gnomAD exomes 0.00004 and 0.00033; ExAC 0.00005; ESP Exome Variant Server 0.00008; TOPMed 0.00010; gnomAD 0.00013 and 0.00014.
gnomAD v4.1: 481 of 1,612,770 alleles (0.03%); highest among the groups gnomAD compares: Non-Finnish European, 0.04%; no homozygotes.

Submissions (4):

Labcorp Genetics (formerly Invitae), Labcorp
Classification: Likely benign. Last evaluated: 2024-12-16. Review status: criteria provided, single submitter. Criteria: Invitae Variant Classification Sherloc (09022015). Collection method: clinical testing. Allele origin: germline.

Illumina Laboratory Services, Illumina
Classification: Uncertain significance for Microcephalic osteodysplastic primordial dwarfism type II. Last evaluated: 2018-01-13. Review status: criteria provided, single submitter. Criteria: ICSL Variant Classification Criteria 13 December 2019. Collection method: clinical testing. Allele origin: germline.

Genetic Services Laboratory, University of Chicago
Classification: Likely benign. Last evaluated: 2015-11-17. Review status: criteria provided, single submitter. Criteria: ACMG Guidelines, 2015. Collection method: clinical testing. Allele origin: germline. Affected: no.

PreventionGenetics, part of Exact Sciences
Classification: Likely benign for PCNT-related condition. Last evaluated: 2019-09-11. Review status: no assertion criteria provided. Collection method: clinical testing. Allele origin: germline. Not counted in ClinVar's aggregate classification.
Comment: This variant is classified as likely benign based on ACMG/AMP sequence variant interpretation guidelines (Richards et al. 2015 PMID: 25741868, with internal and published modifications).